The following is an entry in ClinVar:

ClinVar aggregate classification (germline): Uncertain significance (1 of 4 stars; one submission).

gnomAD v4.1: 1 of 1,611,842 alleles (0.000062%); highest among the groups gnomAD compares: African/African-American, 0.0013%; no homozygotes.

Submission:

Labcorp Genetics (formerly Invitae), Labcorp
Classification: Uncertain significance. Last evaluated: 2020-08-16. Review status: criteria provided, single submitter. Criteria: Invitae Variant Classification Sherloc (09022015). Collection method: clinical testing. Allele origin: germline.
Comment: This sequence change replaces histidine with proline at codon 215 of the PRKN protein (p.His215Pro). The histidine residue is highly conserved and there is a moderate physicochemical difference between histidine and proline. This variant is not present in population databases (ExAC no frequency). This variant has not been reported in the literature in individuals with PRKN-related conditions. Advanced modeling of protein sequence and biophysical properties (such as structural, functional, and spatial information, amino acid conservation, physicochemical variation, residue mobility, and thermodynamic stability) performed at Invitae indicates that this missense variant is expected to disrupt PRKN protein function. In summary, the available evidence is currently insufficient to determine the role of this variant in disease. Therefore, it has been classified as a Variant of Uncertain Significance.

NM_004562.3(PRKN):c.644A>C (p.His215Pro)

Gene: PRKN (parkin RBR E3 ubiquitin protein ligase; minus strand). Cytogenetic location: 6q26.
Variant type: single nucleotide variant.
Coding change: c.644A>C on transcript NM_004562.3 (MANE Select); coding-DNA position 644, A replaced by C.
Protein change: p.His215Pro; replaces histidine 215 with proline.
Molecular consequence: missense variant.
Genome position (GRCh38, 1-based): chr6:161,973,392, T>G on the plus strand (A>C on the coding strand, the complement: PRKN is on the minus strand). VCF-style: chr6-161973392-T-G. GRCh37 (hg19) VCF-style: chr6-162394424-T-G.
Other names: c.560A>C, p.His187Pro (NM_013987.3); c.197A>C, p.His66Pro (NM_013988.3); short protein forms H187P, H215P, H66P.
Identifiers: ClinVar variation 1009403 (VCV001009403.8), dbSNP rs1780900959, ClinGen allele CA366466970.